The following is an entry in ClinVar:

ClinVar aggregate classification (germline): Uncertain significance. Review status: criteria provided, multiple submitters, no conflicts (2 of 4 stars). 7 submissions from 4 submitters: Uncertain significance (7). Last evaluated 2025-04-10.

Conditions:
Autosomal recessive cerebellar ataxia. Also called: Spinocerebellar Ataxia, Recessive; Spinocerebellar ataxia, autosomal recessive. Identifiers: Orphanet 1172, MedGen C5575375, MONDO:0015244.
Infantile onset spinocerebellar ataxia (MTDPS7). Also called: SPINOCEREBELLAR ATAXIA, INFANTILE, WITH SENSORY NEUROPATHY; Mitochondrial DNA depletion syndrome 7 (hepatocerebral type); OPHTHALMOPLEGIA, HYPOTONIA, ATAXIA, HYPOACUSIS, AND ATHETOSIS; OHAHA SYNDROME. Identifiers: Orphanet 1186, MedGen C1849096, MONDO:0010060, OMIM 271245.
Progressive external ophthalmoplegia with mitochondrial DNA deletions, autosomal dominant 3. Also called: PROGRESSIVE EXTERNAL OPHTHALMOPLEGIA, AUTOSOMAL DOMINANT 3. Identifiers: MedGen C1836439, MONDO:0012241, OMIM 609286.
Sensory ataxic neuropathy, dysarthria, and ophthalmoparesis (SANDO). Also called: Sensory ataxic neuropathy-dysarthria-ophthalmoparesis syndrome; Epilepsy, progressive myoclonic, type 5; SENSORY ATAXIC NEUROPATHY WITH MITOCHONDRIAL DNA DELETIONS, AUTOSOMAL RECESSIVE; Ataxia Neuropathy Spectrum (ANS). Identifiers: Orphanet 70595, MedGen C1843851, MONDO:0011835, OMIM 607459.

Allele frequency attached by ClinVar (database versions not stated): TOPMed 0.00003.
gnomAD v4.1: 105 of 1,607,480 alleles (0.0065%); highest among the groups gnomAD compares: Non-Finnish European, 0.0084%; no homozygotes.

Submissions (7):

Labcorp Genetics (formerly Invitae), Labcorp
Classification: Uncertain significance. Last evaluated: 2025-04-10. Review status: criteria provided, single submitter. Criteria: Invitae Variant Classification Sherloc (09022015). Collection method: clinical testing. Allele origin: germline.
Comment: This sequence change replaces glycine, which is neutral and non-polar, with valine, which is neutral and non-polar, at codon 26 of the TWNK protein (p.Gly26Val). This variant is present in population databases (rs772221026, gnomAD 0.007%). This variant has not been reported in the literature in individuals affected with TWNK-related conditions. ClinVar contains an entry for this variant (Variation ID: 298495). Invitae Evidence Modeling of protein sequence and biophysical properties (such as structural, functional, and spatial information, amino acid conservation, physicochemical variation, residue mobility, and thermodynamic stability) has been performed for this missense variant. However, the output from this modeling did not meet the statistical confidence thresholds required to predict the impact of this variant on TWNK protein function. In summary, the available evidence is currently insufficient to determine the role of this variant in disease. Therefore, it has been classified as a Variant of Uncertain Significance.

Mayo Clinic Laboratories, Mayo Clinic
Classification: Uncertain significance. Last evaluated: 2024-07-24. Review status: criteria provided, single submitter. Criteria: ACMG Guidelines, 2015. Collection method: clinical testing. Allele origin: germline. Observed: 2 variant alleles.

CeGaT Center for Human Genetics Tuebingen
Classification: Uncertain significance. Last evaluated: 2023-03-01. Review status: criteria provided, single submitter. Criteria: CeGaT Center For Human Genetics Tuebingen Variant Classification Criteria Version 2. Collection method: clinical testing. Allele origin: germline. Affected: yes. Observed: 1 variant allele.
Comment: TWNK: PM2, PP3

Illumina Laboratory Services, Illumina
Classification: Uncertain significance for Sensory ataxic neuropathy-dysarthria-ophthalmoparesis syndrome. Last evaluated: 2018-01-12. Review status: criteria provided, single submitter. Criteria: ICSL Variant Classification Criteria 13 December 2019. Collection method: clinical testing. Allele origin: germline.

Illumina Laboratory Services, Illumina
Classification: Uncertain significance for Autosomal recessive cerebellar ataxia. Last evaluated: 2018-01-12. Review status: criteria provided, single submitter. Criteria: ICSL Variant Classification Criteria 13 December 2019. Collection method: clinical testing. Allele origin: germline.

Illumina Laboratory Services, Illumina
Classification: Uncertain significance for Progressive external ophthalmoplegia with mitochondrial DNA deletions, autosomal dominant 3. Last evaluated: 2018-01-12. Review status: criteria provided, single submitter. Criteria: ICSL Variant Classification Criteria 13 December 2019. Collection method: clinical testing. Allele origin: germline.

Illumina Laboratory Services, Illumina
Classification: Uncertain significance for Infantile onset spinocerebellar ataxia. Last evaluated: 2018-01-12. Review status: criteria provided, single submitter. Criteria: ICSL Variant Classification Criteria 13 December 2019. Collection method: clinical testing. Allele origin: germline.

NM_021830.5(TWNK):c.77G>T (p.Gly26Val)

Gene: TWNK (twinkle mtDNA helicase; plus strand). Cytogenetic location: 10q24.31.
Variant type: single nucleotide variant.
Coding change: c.77G>T on transcript NM_021830.5 (MANE Select); coding-DNA position 77, G replaced by T.
Protein change: p.Gly26Val; replaces glycine 26 with valine.
Molecular consequence: missense variant. On other transcripts: non-coding transcript variant (4), intron variant (3).
Genome position (GRCh38, 1-based): chr10:100,988,287, G>T. VCF-style: chr10-100988287-G-T. GRCh37 (hg19) VCF-style: chr10-102748044-G-T.
Other names: p.Gly26Val; c.77G>T, p.Gly26Val (NM_001163812.2); c.-120+674G>T (NM_001163814.2, NM_001163813.2); c.-58+674G>T (NM_001368275.1); short protein forms G26V.
Identifiers: ClinVar variation 298495 (VCV000298495.42), dbSNP rs772221026, ClinGen allele CA5653022.